The following is an entry in ClinVar:

ClinVar aggregate classification (germline): Likely benign. Review status: reviewed by expert panel (3 of 4 stars). 2 submissions from 2 submitters: Likely benign (1). 1 of the submissions does not count toward it. Last evaluated 2025-11-19.

Conditions:
Congenital glaucoma. Identifiers: MedGen C0020302, MONDO:0020366.
CYP1B1-related glaucoma with or without anterior segment dysgenesis. Identifiers: MedGen CN375931, MONDO:0800472.

Allele frequency attached by ClinVar (database versions not stated): ExAC 0.00041; ESP Exome Variant Server 0.00108; gnomAD 0.00117 and 0.00123; TOPMed 0.00148; 1000 Genomes Project 0.00180; 1000 Genomes Project 30x 0.00219.

Submissions (2):

ClinGen Glaucoma Variant Curation Expert Panel
Classification: Likely benign for CYP1B1-related glaucoma with or without anterior segment dysgenesis. Last evaluated: 2025-11-19. Review status: reviewed by expert panel. Criteria: ClinGen CYP1B1 ACMG Specifications V1 Approved. Collection method: curation. Allele origin: germline. Inheritance: Autosomal recessive inheritance.
Comment: The c.35C>T variant in CYP1B1 is a missense variant predicted to cause substitution of Proline by Lysine at amino acid 12 (p.Pro12Leu). The highest minor allele frequency of this variant was in the African/African American genetic ancestry group of gnomAD (v4.1) = 0.003997 (300 alleles out of 75060), which did not meet the PM2_Supporting allele frequency threshold (≤ 0.0005) or the BS1 allele frequency threshold (≥ 0.01). The REVEL score = 0.063, which is within the 0.017-0.183 range for BP4_Moderate and this variant was not predicted to affect splicing, as assessed with SpliceAI (≤ 0.1), suggesting that the variant does not impact CYP1B1 function. There was no functional evidence predicting a damaging or benign impact of this variant on CYP1B1 function. This variant has been identified in an individual with a CYP1B1-related phenotype, however BP4 is met, therefore PM3 was not assessed. In summary, this variant met the criteria to receive a score of -2 and to be classified as likely benign (likely benign classification range -2 to -6, adapted from PMID: 32720330) for CYP1B1- related glaucoma with or without anterior segment dysgenesis (ASD) based on the ACMG/AMP criteria met, as specified by the ClinGen Glaucoma VCEP (v1.0, 06.11.2025): BP4_Moderate.

Labcorp Genetics (formerly Invitae), Labcorp
Classification: Benign for Congenital glaucoma. Last evaluated: 2026-01-26. Review status: criteria provided, single submitter. Criteria: Invitae Variant Classification Sherloc (09022015). Collection method: clinical testing. Allele origin: germline. Not counted in ClinVar's aggregate classification.

NM_000104.4(CYP1B1):c.35C>T (p.Pro12Leu)

Gene: CYP1B1 (cytochrome P450 family 1 subfamily B member 1; minus strand). Cytogenetic location: 2p22.2.
Variant type: single nucleotide variant.
Coding change: c.35C>T on transcript NM_000104.4 (MANE Select); coding-DNA position 35, C replaced by T.
Protein change: p.Pro12Leu; replaces proline 12 with leucine.
Molecular consequence: missense variant.
Genome position (GRCh38, 1-based): chr2:38,075,354, G>A on the plus strand (C>T on the coding strand, the complement: CYP1B1 is on the minus strand). VCF-style: chr2-38075354-G-A. GRCh37 (hg19) VCF-style: chr2-38302497-G-A.
Other names: NM_000104.4(CYP1B1):c.35C>T; p.Pro12Leu; short protein forms P12L.
Identifiers: ClinVar variation 1634683 (VCV001634683.8), dbSNP rs61216970, ClinGen allele CA1620123.
Genomic context (GRCh38, chr2:38,075,354, plus strand): 5'-GTGGCCAGCACCGACAGGAGTAGCAGGAGCGTGGTCTGCTGGATGGACAGCGGGTTTAGC[G>A]GCCAAGGGTCGTTCGGGCTGAGGCTGGTGCCCATGCTGGGGACAGAGAGGAGAAGGCGTG-3'
Protein context (NP_000095.2, residues 2-22): GTSLSPNDPW[Pro12Leu]LNPLSIQQTT